The following is an entry in ClinVar:

NM_001148.6(ANK2):c.2189C>A (p.Thr730Lys)

Gene: ANK2 (ankyrin 2; plus strand). Cytogenetic location: 4q26.
Variant type: single nucleotide variant.
Coding change: c.2189C>A on transcript NM_001148.6 (MANE Select); coding-DNA position 2189, C replaced by A.
Protein change: p.Thr730Lys; replaces threonine 730 with lysine.
Molecular consequence: missense variant.
Genome position (GRCh38, 1-based): chr4:113,288,398, C>A. VCF-style: chr4-113288398-C-A. GRCh37 (hg19) VCF-style: chr4-114209554-C-A.
Other names: c.2126C>A, p.Thr709Lys (NM_001354244.2, NM_001354252.2, NM_001354254.2 and 10 more transcripts); c.2090C>A, p.Thr697Lys (NM_001354245.2, NM_001354268.2); c.2189C>A, p.Thr730Lys (NM_001354246.2, NM_001354225.2, NM_001354228.2 and 6 more transcripts); c.2102C>A, p.Thr701Lys (NM_001354249.2, NM_001354274.2, NM_001354276.2 and 10 more transcripts); c.2027C>A, p.Thr676Lys (NM_001354253.2, NM_001354257.2, NM_001354270.2 and 1 more transcripts); c.1979C>A, p.Thr660Lys (NM_001354269.3); c.2003C>A, p.Thr668Lys (NM_001354271.2, NM_001354260.2, NM_001386151.1); c.1991C>A, p.Thr664Lys (NM_001354273.2); and 8 more; short protein forms T739K, T701K, T716K, T718K, T747K, T602K, T635K, T660K.
Identifiers: ClinVar variation 2859730 (VCV002859730.3), dbSNP rs1280416597, ClinGen allele CA357917139.

ClinVar aggregate classification (germline): Uncertain significance (1 of 4 stars; one submission).

Conditions:
Long QT syndrome (LQTS). Identifiers: MedGen C0023976, MeSH D008133, MONDO:0002442. Disease mechanism: loss of function. Inheritance: Various modes of inheritance.

Submission:

Labcorp Genetics (formerly Invitae), Labcorp
Classification: Uncertain significance for Long QT syndrome. Last evaluated: 2024-11-09. Review status: criteria provided, single submitter. Criteria: Invitae Variant Classification Sherloc (09022015). Collection method: clinical testing. Allele origin: germline.
Comment: This sequence change replaces threonine, which is neutral and polar, with lysine, which is basic and polar, at codon 730 of the ANK2 protein (p.Thr730Lys). This variant is not present in population databases (gnomAD no frequency). This variant has not been reported in the literature in individuals affected with ANK2-related conditions. ClinVar contains an entry for this variant (Variation ID: 2859730). Invitae Evidence Modeling of protein sequence and biophysical properties (such as structural, functional, and spatial information, amino acid conservation, physicochemical variation, residue mobility, and thermodynamic stability) has been performed for this missense variant. However, the output from this modeling did not meet the statistical confidence thresholds required to predict the impact of this variant on ANK2 protein function. In summary, the available evidence is currently insufficient to determine the role of this variant in disease. Therefore, it has been classified as a Variant of Uncertain Significance.